The following is an entry in ClinVar:

ClinVar aggregate classification (germline): Likely benign. Review status: criteria provided, single submitter (1 of 4 stars). 2 submissions from 2 submitters: Likely benign (1). 1 of the submissions does not count toward it. Last evaluated 2024-09-12.

Conditions:
FREM2-related disorder. Also called: FREM2-related condition.

Allele frequency attached by ClinVar (database versions not stated): ExAC 0.00001; gnomAD 0.00001; gnomAD exomes 0.00001; TOPMed 0.00001.
gnomAD v4.1: 18 of 1,614,010 alleles (0.0011%); highest among the groups gnomAD compares: Non-Finnish European, 0.0014%; no homozygotes.

Submissions (2):

Labcorp Genetics (formerly Invitae), Labcorp
Classification: Likely benign. Last evaluated: 2024-09-12. Review status: criteria provided, single submitter. Criteria: Invitae Variant Classification Sherloc (09022015). Collection method: clinical testing. Allele origin: germline.

PreventionGenetics, part of Exact Sciences
Classification: Likely benign for FREM2-related condition. Last evaluated: 2020-12-15. Review status: no assertion criteria provided. Collection method: clinical testing. Allele origin: germline. Not counted in ClinVar's aggregate classification.
Comment: This variant is classified as likely benign based on ACMG/AMP sequence variant interpretation guidelines (Richards et al. 2015 PMID: 25741868, with internal and published modifications).

NM_207361.6(FREM2):c.2625C>T (p.Gly875=)

Gene: FREM2 (FRAS1 related extracellular matrix 2; plus strand). Cytogenetic location: 13q13.3.
Variant type: single nucleotide variant.
Coding change: c.2625C>T on transcript NM_207361.6 (MANE Select); coding-DNA position 2625, C replaced by T.
Protein change: p.Gly875=; no amino-acid change (glycine 875 retained).
Molecular consequence: synonymous variant.
Genome position (GRCh38, 1-based): chr13:38,689,969, C>T. VCF-style: chr13-38689969-C-T. GRCh37 (hg19) VCF-style: chr13-39264106-C-T.
Other names: c.2625C>T (NM_207361.5).
Identifiers: ClinVar variation 2997786 (VCV002997786.5), dbSNP rs778948730, ClinGen allele CA6954646.